The following is an entry in ClinVar:

ClinVar aggregate classification (germline): Pathogenic/Likely pathogenic. Review status: criteria provided, multiple submitters, no conflicts (2 of 4 stars). 5 submissions from 5 submitters: Pathogenic (3); Likely pathogenic (2). Last evaluated 2026-09-14.

Conditions:
NPHP4-related disorder. Also called: NPHP4-related disorders; NPHP4-related condition. Identifiers: MedGen CN239384.
Nephronophthisis 4 (NPHP4). Also called: NEPHRONOPHTHISIS 4, JUVENILE. Identifiers: Orphanet 655, MedGen C1847013, MONDO:0011752, OMIM 606966.
Senior-Loken syndrome 4 (SLSN4). Identifiers: Orphanet 3156, MedGen C1846979, MONDO:0011756, OMIM 606996.
Nephronophthisis. Also called: Juvenile Nephronophthisis. Identifiers: Orphanet 655, MedGen C0687120, MONDO:0019005, HP:0000090.

Submissions (5):

PreventionGenetics, part of Exact Sciences
Classification: Pathogenic for NPHP4-related condition. Last evaluated: 2026-09-14. Review status: criteria provided, single submitter. Criteria: ACMG Guidelines, 2015. Collection method: clinical testing. Allele origin: germline.
Comment: The NPHP4 c.834_841del8 variant is predicted to result in a frameshift and premature protein termination (p.Ala279Aspfs*28). This variant has been reported in individuals with NPHP4-related ciliopathy (Supplementary table, Petzold et al. 2023. PubMed ID: 37230223; Mallawaarachchi et al. 2024. PubMed ID: 38861662). This variant is reported in 0.0021% of alleles in individuals of European (Non-Finnish) descent in gnomAD. Frameshift variants in NPHP4 are expected to be pathogenic. This variant is interpreted as pathogenic.

Fulgent Genetics
Classification: Likely pathogenic for Nephronophthisis 4; Senior-Loken syndrome 4. Last evaluated: 2024-01-08. Review status: criteria provided, single submitter. Criteria: ACMG Guidelines, 2015. Collection method: clinical testing. Allele origin: germline.

Victorian Clinical Genetics Services, Murdoch Childrens Research Institute
Classification: Pathogenic for Nephronophthisis 4. Last evaluated: 2022-02-02. Review status: criteria provided, single submitter. Criteria: ACMG Guidelines, 2015. Collection method: clinical testing. Allele origin: germline. Inheritance: Autosomal recessive inheritance.
Comment: Based on the classification scheme VCGS_Germline_v1.3.4, this variant is classified as Pathogenic. Following criteria are met: 0102 - Loss of function is a known mechanism of disease in this gene and is associated with nephronophthisis 4, and Senior-Loken syndrome 4 (MIM#606996). (I) 0106 - This gene is associated with autosomal recessive disease. (I) 0201 - Variant is predicted to cause nonsense-mediated decay (NMD) and loss of protein (premature termination codon is located at least 54 nucleotides upstream of the final exon-exon junction). (SP) 0251 - This variant is heterozygous. (I) 0304 - Variant is present in gnomAD <0.01 for a recessive condition (v2: 2 heterozygotes, 0 homozygotes). (SP) 0701 - Other NMD variants comparable to the one identified in this case have very strong previous evidence for pathogenicity (ClinVar, DECIPHER, PMID: 12205563). (SP) 0803 - This variant has limited previous evidence of pathogenicity. It has been reported once as pathogenic in ClinVar. (SP) 0905 - No published segregation evidence has been identified for this variant. (I) 1007 - No published functional evidence has been identified for this variant. (I) 1102 - Strong phenotype match for this individual. (SP) 1207 - Parental origin of the variant is unresolved. However, he was not tested and the possibility of being de novo cannot be excluded. (I) Legend: (SP) - Supporting pathogenic, (I) - Information, (SB) - Supporting benign

Blueprint Genetics
Classification: Likely pathogenic for NPHP4-related disorders. Last evaluated: 2021-12-03. Review status: criteria provided, single submitter. Criteria: ACMG Guidelines, 2015. Collection method: clinical testing. Allele origin: germline. Affected: yes. Observed: 3 variant alleles.

Labcorp Genetics (formerly Invitae), Labcorp
Classification: Pathogenic for Nephronophthisis. Last evaluated: 2020-07-09. Review status: criteria provided, single submitter. Criteria: Invitae Variant Classification Sherloc (09022015). Collection method: clinical testing. Allele origin: germline.
Comment: This variant has not been reported in the literature in individuals with NPHP4-related conditions. Loss-of-function variants in NPHP4 are known to be pathogenic (PMID: 12205563, 23559409). For these reasons, this variant has been classified as Pathogenic. The frequency data for this variant in the population databases is considered unreliable, as metrics indicate poor data quality at this position in the ExAC database. This sequence change creates a premature translational stop signal (p.Ala279Aspfs*28) in the NPHP4 gene. It is expected to result in an absent or disrupted protein product.

Literature cited by the submitters: PubMed 12205563 (cited by Victorian Clinical Genetics Services, Murdoch Childrens Research Institute and Labcorp Genetics (formerly Invitae), Labcorp); PubMed 23559409 (cited by Labcorp Genetics (formerly Invitae), Labcorp).

NM_015102.5(NPHP4):c.834_841del (p.Ala279fs)

Gene: NPHP4 (nephrocystin 4; minus strand). Cytogenetic location: 1p36.31.
Variant type: Deletion.
Coding change: c.834_841del on transcript NM_015102.5 (MANE Select); coding-DNA positions 834 to 841, 8 bases deleted (TGCCCTGG; older notation c.834_841delTGCCCTGG).
Protein change: p.Ala279fs; shifts the reading frame from alanine 279.
Molecular consequence: frameshift variant. On other transcripts: 5 prime UTR variant (2), non-coding transcript variant (1).
Genome position (GRCh38, 1-based): chr1:5,948,221-5,948,228, CCAGGGCA deleted on the plus strand (TGCCCTGG on the coding strand, the reverse complement: NPHP4 is on the minus strand); deleting any 8 consecutive bases within chr1:5,948,221-5,948,231 gives the same sequence; the c. name uses the placement nearest the transcript's 3' end. VCF-style (leftmost placement, unchanged base first): chr1-5948220-TCCAGGGCA-T. GRCh37 (hg19) VCF-style: chr1-6008280-TCCAGGGCA-T.
Other names: c.-533_-526del (NM_001291593.2, NM_001291594.2); c.834_841del8 (NM_015102.4); c.834_841delTGCCCTGG (NM_015102.4); short protein forms A279fs.
Identifiers: ClinVar variation 943026 (VCV000943026.14), dbSNP rs781558715, ClinGen allele CA554723.